The following is an entry in ClinVar:

ClinVar aggregate classification (germline): Uncertain significance. Review status: criteria provided, multiple submitters, no conflicts (2 of 4 stars). 2 submissions from 2 submitters: Uncertain significance (2). Last evaluated 2025-04-07.

Conditions:
Inborn genetic diseases. Identifiers: MedGen C0950123, MeSH D030342.

Submissions (2):

Ambry Genetics
Classification: Uncertain significance for Inborn genetic diseases. Last evaluated: 2025-04-07. Review status: criteria provided, single submitter. Criteria: Ambry Variant Classification Scheme 2023. Collection method: clinical testing. Allele origin: germline.

Mayo Clinic Laboratories, Mayo Clinic
Classification: Uncertain significance. Last evaluated: 2024-06-10. Review status: criteria provided, single submitter. Criteria: ACMG Guidelines, 2015. Collection method: clinical testing. Allele origin: germline. Observed: 1 variant allele.
Comment: BP4, PM2

NM_015378.4(VPS13D):c.7670C>T (p.Ala2557Val)

Gene: VPS13D (vacuolar protein sorting 13 homolog D; plus strand). Cytogenetic location: 1p36.22.
Variant type: single nucleotide variant.
Coding change: c.7670C>T on transcript NM_015378.4 (MANE Select); coding-DNA position 7670, C replaced by T.
Protein change: p.Ala2557Val; replaces alanine 2557 with valine.
Molecular consequence: missense variant.
Genome position (GRCh38, 1-based): chr1:12,321,930, C>T. VCF-style: chr1-12321930-C-T. GRCh37 (hg19) VCF-style: chr1-12381987-C-T.
Other names: p.Ala2557Val; c.7670C>T, p.Ala2557Val (NM_018156.4); c.7670C>T (NM_015378.2); short protein forms A2557V.
Identifiers: ClinVar variation 3380881 (VCV003380881.2).